The following is an entry in ClinVar:

NM_000051.4(ATM):c.8624del (p.Asn2875fs)

Genes: ATM (ATM serine/threonine kinase; plus strand), C11orf65 (chromosome 11 open reading frame 65; minus strand). Cytogenetic location: 11q22.3.
Variant type: Deletion.
Coding change: c.8624del on transcript NM_000051.4 (MANE Select); coding-DNA position 8624, one base deleted (A; older notation c.8624delA).
Protein change: p.Asn2875fs; shifts the reading frame from asparagine 2875.
Molecular consequence: frameshift variant. On other transcripts: intron variant (2).
Genome position (GRCh38, 1-based): chr11:108,347,318, A deleted; the last of 2 consecutive A bases (chr11:108,347,317-108,347,318); deleting either gives the same sequence. VCF-style (leftmost placement, unchanged base first): chr11-108347316-GA-G. GRCh37 (hg19) VCF-style: chr11-108218043-GA-G.
Other names: c.8624del, p.Asn2875fs (NM_001351834.2); c.641-38246del (NM_001330368.2); c.695-12025del (NM_001351110.2); short protein forms N2875fs.
Identifiers: ClinVar variation 3148304 (VCV003148304.1), dbSNP rs876660411, ClinGen allele CA2695215514.

ClinVar aggregate classification (germline): Pathogenic. Review status: criteria provided, multiple submitters, no conflicts (2 of 4 stars). 2 submissions from 2 submitters: Pathogenic (2). Last evaluated 2024-02-05.

Conditions:
Hereditary cancer-predisposing syndrome. Also called: Tumor predisposition; Hereditary Cancer Syndrome; Hereditary neoplastic syndrome; Neoplastic Syndromes, Hereditary. Identifiers: Orphanet 140162, MedGen C0027672, MeSH D009386, MONDO:0015356.
Familial cancer of breast. Also called: hereditary breast carcinoma; BREAST CANCER, FAMILIAL; Hereditary breast cancer. Identifiers: Orphanet 227535, MedGen C0346153, MONDO:0016419, OMIM 114480. Disease mechanism: loss of function.

Submissions (2):

Myriad Genetics, Inc.
Classification: Pathogenic for Familial cancer of breast. Last evaluated: 2024-02-05. Review status: criteria provided, single submitter. Criteria: Myriad Autosomal Dominant, Autosomal Recessive and X-Linked Classification Criteria (2023). Collection method: clinical testing. Allele origin: unknown.
Comment: This variant is considered pathogenic. This variant creates a frameshift predicted to result in premature protein truncation.

Ambry Genetics
Classification: Pathogenic for Hereditary cancer-predisposing syndrome. Last evaluated: 2023-10-17. Review status: criteria provided, single submitter. Criteria: Ambry Variant Classification Scheme 2023. Collection method: clinical testing. Allele origin: germline.
Comment: The c.8624delA pathogenic mutation, located in coding exon 58 of the ATM gene, results from a deletion of one nucleotide at nucleotide position 8624, causing a translational frameshift with a predicted alternate stop codon (p.N2875Ifs*3). This alteration has been reported in the homozygous state in a patient with ataxia telangiectasia (Nakamura K et al. Hum Mutat, 2012 Jan;33:198-208). This variant is considered to be rare based on population cohorts in the Genome Aggregation Database (gnomAD). This alteration is expected to result in loss of function by premature protein truncation or nonsense-mediated mRNA decay. As such, this alteration is interpreted as a disease-causing mutation.

Literature cited by the submitters: PubMed 22006793 (cited by Ambry Genetics).